The following is an entry in ClinVar:

ClinVar aggregate classification (germline): Likely benign. Review status: criteria provided, multiple submitters, no conflicts (2 of 4 stars). 2 submissions from 2 submitters: Likely benign (2). Last evaluated 2024-06-10.

Conditions:
Mowat-Wilson syndrome (MOWS). Also called: Classic Mowat-Wilson Syndrome. Identifiers: Orphanet 2152, MedGen C1856113, MONDO:0009341, OMIM 235730.

Allele frequency attached by ClinVar (database versions not stated): gnomAD exomes below 0.00001.
gnomAD v4.1: 3 of 1,614,216 alleles (0.00019%); highest among the groups gnomAD compares: African/African-American, 0.0013%; no homozygotes.

Submissions (2):

Labcorp Genetics (formerly Invitae), Labcorp
Classification: Likely benign for Mowat-Wilson syndrome. Last evaluated: 2024-06-10. Review status: criteria provided, single submitter. Criteria: Invitae Variant Classification Sherloc (09022015). Collection method: clinical testing. Allele origin: germline.

GeneDx
Classification: Likely benign. Last evaluated: 2016-05-31. Review status: criteria provided, single submitter. Criteria: GeneDx Variant Classification (06012015). Collection method: clinical testing. Allele origin: germline. Affected: yes.
Comment: This variant is considered likely benign or benign based on one or more of the following criteria: it is a conservative change, it occurs at a poorly conserved position in the protein, it is predicted to be benign by multiple in silico algorithms, and/or has population frequency not consistent with disease.

NM_014795.4(ZEB2):c.2016T>C (p.Asp672=)

Gene: ZEB2 (zinc finger E-box binding homeobox 2; minus strand). Cytogenetic location: 2q22.3.
Variant type: single nucleotide variant.
Coding change: c.2016T>C on transcript NM_014795.4 (MANE Select); coding-DNA position 2016, T replaced by C.
Protein change: p.Asp672=; no amino-acid change (aspartic acid 672 retained).
Molecular consequence: synonymous variant.
Genome position (GRCh38, 1-based): chr2:144,399,171, A>G on the plus strand (T>C on the coding strand, the complement: ZEB2 is on the minus strand). VCF-style: chr2-144399171-A-G. GRCh37 (hg19) VCF-style: chr2-145156738-A-G.
Other names: c.1944T>C, p.Asp648= (NM_001171653.2).
Identifiers: ClinVar variation 386556 (VCV000386556.9), dbSNP rs1057522531, ClinGen allele CA16603804.
Genomic context (GRCh38, chr2:144,399,171, plus strand): 5'-AAACCATTCCTTCACAAATTCCTGAGGAAGGCCCACAGCAATGGAAATTTTCAGCAGTTC[A>G]TCGGAGTTGGGCTCCATGTTCATAGCATAGTATGCTTTGAGTACAGACATGTGGTCCTTG-3'
Protein context (NP_055610.1, residues 662-682): YYAMNMEPNS[Asp672=]ELLKISIAVG